The following is an entry in ClinVar:

ClinVar aggregate classification (germline): Uncertain significance (1 of 4 stars; one submission).

Allele frequency attached by ClinVar (database versions not stated): ExAC 0.00001.

Submission:

Labcorp Genetics (formerly Invitae), Labcorp
Classification: Uncertain significance. Last evaluated: 2022-06-13. Review status: criteria provided, single submitter. Criteria: Invitae Variant Classification Sherloc (09022015). Collection method: clinical testing. Allele origin: germline.
Comment: In summary, the available evidence is currently insufficient to determine the role of this variant in disease. Therefore, it has been classified as a Variant of Uncertain Significance. Algorithms developed to predict the effect of missense changes on protein structure and function are either unavailable or do not agree on the potential impact of this missense change (SIFT: "Deleterious"; PolyPhen-2: "Possibly Damaging"; Align-GVGD: "Class C0"). This variant has not been reported in the literature in individuals affected with MPLKIP-related conditions. This variant is present in population databases (rs200318770, gnomAD 0.002%). This sequence change replaces lysine, which is basic and polar, with glutamine, which is neutral and polar, at codon 173 of the MPLKIP protein (p.Lys173Gln).

NM_138701.4(MPLKIP):c.517A>C (p.Lys173Gln)

Gene: MPLKIP (M-phase specific PLK1 interacting protein; minus strand). Cytogenetic location: 7p14.1.
Variant type: single nucleotide variant.
Coding change: c.517A>C on transcript NM_138701.4 (MANE Select); coding-DNA position 517, A replaced by C.
Protein change: p.Lys173Gln; replaces lysine 173 with glutamine.
Molecular consequence: missense variant.
Genome position (GRCh38, 1-based): chr7:40,133,082, T>G on the plus strand (A>C on the coding strand, the complement: MPLKIP is on the minus strand). VCF-style: chr7-40133082-T-G. GRCh37 (hg19) VCF-style: chr7-40172681-T-G.
Other names: short protein forms K173Q.
Identifiers: ClinVar variation 1444524 (VCV001444524.6), dbSNP rs200318770, ClinGen allele CA4229161.